The following is an entry in ClinVar:

ClinVar aggregate classification (germline): Likely benign. Review status: criteria provided, multiple submitters, no conflicts (2 of 4 stars). 2 submissions from 2 submitters: Likely benign (2). Last evaluated 2026-07-06.

Conditions:
FLNB-related disorder. Also called: FLNB-related disorders; FLNB-related condition. Identifiers: MedGen CN381095.

Allele frequency attached by ClinVar (database versions not stated): gnomAD 0.00003 and 0.00004; TOPMed 0.00004; gnomAD exomes 0.00005; ExAC 0.00006; ESP Exome Variant Server 0.00008.
gnomAD v4.1: 47 of 1,614,080 alleles (0.0029%); highest among the groups gnomAD compares: East Asian, 0.027%; no homozygotes.

Submissions (2):

PreventionGenetics, part of Exact Sciences
Classification: Likely benign for FLNB-related condition. Last evaluated: 2026-07-06. Review status: criteria provided, single submitter. Criteria: ACMG Guidelines, 2015. Collection method: clinical testing. Allele origin: germline.
Comment: This variant is classified as likely benign based on ACMG/AMP sequence variant interpretation guidelines (Richards et al. 2015 PMID: 25741868, with internal and published modifications).

Labcorp Genetics (formerly Invitae), Labcorp
Classification: Likely benign. Last evaluated: 2025-12-16. Review status: criteria provided, single submitter. Criteria: Invitae Variant Classification Sherloc (09022015). Collection method: clinical testing. Allele origin: germline.

NM_001457.4(FLNB):c.4641C>T (p.Ala1547=)

Gene: FLNB (filamin B; plus strand). Cytogenetic location: 3p14.3.
Variant type: single nucleotide variant.
Coding change: c.4641C>T on transcript NM_001457.4 (MANE Select); coding-DNA position 4641, C replaced by T.
Protein change: p.Ala1547=; no amino-acid change (alanine 1547 retained).
Molecular consequence: synonymous variant.
Genome position (GRCh38, 1-based): chr3:58,134,742, C>T. VCF-style: chr3-58134742-C-T. GRCh37 (hg19) VCF-style: chr3-58120469-C-T.
Other names: c.4734C>T, p.Ala1578= (NM_001164317.2); c.4641C>T, p.Ala1547= (NM_001164318.2, NM_001164319.2).
Identifiers: ClinVar variation 709970 (VCV000709970.8), dbSNP rs370414841, ClinGen allele CA2468829.